The following is an entry in ClinVar:

NM_005467.4(NAALAD2):c.125G>A (p.Arg42His)

Gene: NAALAD2 (N-acetylated alpha-linked acidic dipeptidase 2; plus strand). Cytogenetic location: 11q14.3.
Variant type: single nucleotide variant.
Coding change: c.125G>A on transcript NM_005467.4 (MANE Select); coding-DNA position 125, G replaced by A.
Protein change: p.Arg42His; replaces arginine 42 with histidine.
Molecular consequence: missense variant.
Genome position (GRCh38, 1-based): chr11:90,135,601, G>A. VCF-style: chr11-90135601-G-A. GRCh37 (hg19) VCF-style: chr11-89868769-G-A.
Other names: c.125G>A, p.Arg42His (NM_001300930.2); short protein forms R42H.
Identifiers: ClinVar variation 2614999 (VCV002614999.3), dbSNP rs200321976, ClinGen allele CA226364582.

ClinVar aggregate classification (germline): Uncertain significance (1 of 4 stars; one submission).

Allele frequency attached by ClinVar (database versions not stated): gnomAD 0.00002; 1000 Genomes Project 30x 0.00016; gnomAD exomes 0.00001; TOPMed 0.00003; 1000 Genomes Project 0.00020.
gnomAD v4.1: 19 of 1,613,046 alleles (0.0012%); highest among the groups gnomAD compares: Non-Finnish European, 0.0014%; no homozygotes.

Submission:

Ambry Genetics
Classification: Uncertain significance. Last evaluated: 2025-10-14. Review status: criteria provided, single submitter. Criteria: Ambry Variant Classification Scheme 2023. Collection method: clinical testing. Allele origin: germline.
Comment: The c.125G>A (p.R42H) alteration is located in exon 2 (coding exon 2) of the NAALAD2 gene. This alteration results from a G to A substitution at nucleotide position 125, causing the arginine (R) at amino acid position 42 to be replaced by a histidine (H). Based on data from gnomAD, the A allele has an overall frequency of 0.001% (2/250928) total alleles studied. The highest observed frequency was 0.002% (2/113504) of European (non-Finnish) alleles. Based on insufficient or conflicting evidence, the clinical significance of this alteration remains unclear.